The following is an entry in ClinVar:

ClinVar aggregate classification (germline): Uncertain significance (1 of 4 stars; one submission).

Conditions:
Kabuki syndrome. Also called: Kabuki make-up syndrome; NIIKAWA-KUROKI SYNDROME. Identifiers: Orphanet 2322, MedGen C0796004, MONDO:0016512.

Submission:

Labcorp Genetics (formerly Invitae), Labcorp
Classification: Uncertain significance for Kabuki syndrome. Last evaluated: 2024-10-17. Review status: criteria provided, single submitter. Criteria: Invitae Variant Classification Sherloc (09022015). Collection method: clinical testing. Allele origin: germline.
Comment: This sequence change replaces phenylalanine, which is neutral and non-polar, with alanine, which is neutral and non-polar, at codon 1776 of the KMT2D protein (p.Phe1776Ala). Information on the frequency of this variant in the gnomAD database is not available, as this variant may be reported differently in the database. This variant has not been reported in the literature in individuals affected with KMT2D-related conditions. ClinVar contains an entry for this variant (Variation ID: 1715374). An algorithm developed to predict the effect of missense changes on protein structure and function (PolyPhen-2) suggests that this variant is likely to be disruptive. In summary, the available evidence is currently insufficient to determine the role of this variant in disease. Therefore, it has been classified as a Variant of Uncertain Significance.

NM_003482.4(KMT2D):c.5326_5327delinsGC (p.Phe1776Ala)

Gene: KMT2D (lysine methyltransferase 2D; minus strand). Cytogenetic location: 12q13.12.
Variant type: Indel.
Coding change: c.5326_5327delinsGC on transcript NM_003482.4 (MANE Select); coding-DNA positions 5326 to 5327, TT replaced by GC.
Protein change: p.Phe1776Ala; replaces phenylalanine 1776 with alanine.
Molecular consequence: missense variant.
Genome position (GRCh38, 1-based): chr12:49,043,775-49,043,776, AA replaced by GC on the plus strand (TT replaced by GC on the coding strand, the reverse complement: KMT2D is on the minus strand). VCF-style: chr12-49043775-AA-GC. GRCh37 (hg19) VCF-style: chr12-49437558-AA-GC.
Other names: short protein forms F1776A.
Identifiers: ClinVar variation 1715374 (VCV001715374.5), dbSNP rs2498415527, ClinGen allele CA2580086333.
Genomic context (GRCh38, chr12:49,043,775, plus strand): 5'-CGGCCCACCCCAACTGCAAAAAGGGCCTTACGGCTCAGGTCCAGCAGCTCCTTCCCAAAG[AA>GC]GGCTTCCTGTGGGGCAGTCAAGGAGAAACAGTTTTCTTCATGCCCTGCAGGGCACAGACA-3'
Protein context (NP_003473.3, residues 1766-1786): DMFPAYLQEA[Phe1776Ala]FGKELLDLSR